The following is an entry in ClinVar:

ClinVar aggregate classification (germline): Conflicting classifications of pathogenicity. Review status: criteria provided, conflicting classifications (1 of 4 stars). 4 submissions from 4 submitters: Uncertain significance (1); Benign (1); Likely benign (2). Last evaluated 2025-09-05.

Conditions:
Thyroid dyshormonogenesis 6 (TDH6). Also called: HYPOTHYROIDISM, CONGENITAL, DUE TO DYSHORMONOGENESIS, 6; Genetic transient congenital hypothyroidism; THYROID HORMONOGENESIS, GENETIC DEFECT IN, 6. Identifiers: Orphanet 226316, Orphanet 95716, MedGen C1846632, MONDO:0011792, OMIM 607200.

Allele frequency attached by ClinVar (database versions not stated): gnomAD exomes 0.00088 and 0.00168; gnomAD 0.00268 and 0.00277; 1000 Genomes Project 30x 0.00390; 1000 Genomes Project 0.00479; ExAC 0.00692.
gnomAD v4.1: 1,637 of 1,549,276 alleles (0.11%); highest among the groups gnomAD compares: African/African-American, 0.7%; 27 homozygotes.

Submissions (4):

Women's Health and Genetics/Laboratory Corporation of America, LabCorp
Classification: Benign. Last evaluated: 2025-09-05. Review status: criteria provided, single submitter. Criteria: LabCorp Variant Classification Summary - May 2015. Collection method: clinical testing. Allele origin: germline.
Comment: Variant summary: DUOXA2 c.-3140G>A is located in the untranscribed region upstream of the DUOXA2 gene region. The variant allele was found at a frequency of 0.0011 in 1549276 control chromosomes, predominantly at a frequency of 0.007 within the African or African-American subpopulation in the gnomAD database, including 25 homozygotes. The observed variant frequency within African or African-American control individuals in the gnomAD database exceeds the estimated maximal expected allele frequency for disease-causing variants in DUOXA2. To our knowledge, no occurrence of c.-3140G>A in individuals affected with DUOXA2-related conditions and no experimental evidence demonstrating its impact on protein function have been reported. ClinVar contains an entry for this variant (Variation ID: 316181). Based on the evidence outlined above, the variant was classified as benign.

Blueprint Genetics
Classification: Likely benign. Last evaluated: 2024-10-15. Review status: criteria provided, single submitter. Criteria: ACMG Guidelines, 2015. Collection method: clinical testing. Allele origin: germline.

Labcorp Genetics (formerly Invitae), Labcorp
Classification: Likely benign. Last evaluated: 2019-12-31. Review status: criteria provided, single submitter. Criteria: Invitae Variant Classification Sherloc (09022015). Collection method: clinical testing. Allele origin: germline.

Illumina Laboratory Services, Illumina
Classification: Uncertain significance for Thyroid dyshormonogenesis 6. Last evaluated: 2018-01-13. Review status: criteria provided, single submitter. Criteria: ICSL Variant Classification Criteria 13 December 2019. Collection method: clinical testing. Allele origin: germline.

NM_001363711.2(DUOX2):c.633C>T (p.Phe211=)

Genes: DUOX2 (dual oxidase 2; minus strand), DUOXA2 (dual oxidase maturation factor 2; plus strand). Cytogenetic location: 15q21.1.
Variant type: single nucleotide variant.
Coding change: c.633C>T on transcript NM_001363711.2 (MANE Select); coding-DNA position 633, C replaced by T.
Protein change: p.Phe211=; no amino-acid change (phenylalanine 211 retained).
Molecular consequence: synonymous variant.
Genome position (GRCh38, 1-based): chr15:45,111,466, G>A on the plus strand (C>T on the coding strand, the complement: DUOX2 is on the minus strand). VCF-style: chr15-45111466-G-A. GRCh37 (hg19) VCF-style: chr15-45403664-G-A.
Other names: c.633C>T, p.Phe211= (NM_014080.5); c.-3140G>A (NM_207581.4).
Identifiers: ClinVar variation 316181 (VCV000316181.11), dbSNP rs35157799, ClinGen allele CA7538883.